The following is an entry in ClinVar:

ClinVar aggregate classification (germline): Conflicting classifications of pathogenicity. Review status: criteria provided, conflicting classifications (1 of 4 stars). 3 submissions from 3 submitters: Likely pathogenic (1); Uncertain significance (2). Last evaluated 2025-10-03.

Conditions:
Hypercalcemia, infantile, 2 (HCINF2). Identifiers: Orphanet 300547, MedGen C4310473, MONDO:0014851, OMIM 616963.
Hypophosphatemic nephrolithiasis/osteoporosis 1. Identifiers: Orphanet 244305, MedGen C2676786, MONDO:0012850, OMIM 612286.
Fanconi renotubular syndrome 2 (FRTS2). Identifiers: MedGen C3150652, MONDO:0013247, OMIM 613388.

Allele frequency attached by ClinVar (database versions not stated): gnomAD exomes below 0.00001 and 0.00005; ExAC 0.00001; gnomAD 0.00001; TOPMed 0.00002.
gnomAD v4.1: 71 of 1,613,100 alleles (0.0044%); highest among the groups gnomAD compares: Non-Finnish European, 0.0058%; no homozygotes.

Submissions (3):

Rare Kidney Stone Consortium and the Mayo Clinic Hyperoxaluria Center, Mayo Clinic
Classification: Likely pathogenic for Fanconi renotubular syndrome 2; Hypercalcemia, infantile, 2; Hypophosphatemic nephrolithiasis/osteoporosis 1. Last evaluated: 2025-10-03. Review status: criteria provided, single submitter. Criteria: ACMG Guidelines, 2015. Collection method: research. Allele origin: germline. Affected: yes. Observed: 1 variant allele.

Fulgent Genetics
Classification: Uncertain significance for Hypophosphatemic nephrolithiasis/osteoporosis 1; Fanconi renotubular syndrome 2; Hypercalcemia, infantile, 2. Last evaluated: 2022-03-18. Review status: criteria provided, single submitter. Criteria: ACMG Guidelines, 2015. Collection method: clinical testing. Allele origin: unknown.

Illumina Laboratory Services, Illumina
Classification: Uncertain significance for Hypophosphatemic nephrolithiasis/osteoporosis 1. Last evaluated: 2017-08-28. Review status: criteria provided, single submitter. Criteria: ICSL Variant Classification Criteria 13 December 2019. Collection method: clinical testing. Allele origin: germline.
Comment: This variant was observed as part of a predisposition screen in an ostensibly healthy population. A literature search was performed for the gene, cDNA change, and amino acid change (where applicable). Publications were found based on this search. However, the evidence from the literature, in combination with allele frequency data from public databases where available, was not sufficient to rule this variant in or out of causing disease. Therefore, this variant is classified as a variant of unknown significance.

Literature cited by the submitters: PubMed 40794449 (cited by Rare Kidney Stone Consortium and the Mayo Clinic Hyperoxaluria Center, Mayo Clinic); PubMed 26272126 (cited by Illumina Laboratory Services, Illumina); PubMed 25082825 (cited by Illumina Laboratory Services, Illumina).

NM_003052.5(SLC34A1):c.1466A>G (p.Tyr489Cys)

Gene: SLC34A1 (solute carrier family 34 member 1; plus strand). Cytogenetic location: 5q35.3.
Variant type: single nucleotide variant.
Coding change: c.1466A>G on transcript NM_003052.5 (MANE Select); coding-DNA position 1466, A replaced by G.
Protein change: p.Tyr489Cys; replaces tyrosine 489 with cysteine.
Molecular consequence: missense variant.
Genome position (GRCh38, 1-based): chr5:177,397,832, A>G. VCF-style: chr5-177397832-A-G. GRCh37 (hg19) VCF-style: chr5-176824833-A-G.
Other names: short protein forms Y489C.
Identifiers: ClinVar variation 904365 (VCV000904365.7), dbSNP rs756685605, ClinGen allele CA3580806.